The following is an entry in ClinVar:

NM_018136.5(ASPM):c.6185A>T (p.Lys2062Ile)

Gene: ASPM (assembly factor for spindle microtubules; minus strand). Cytogenetic location: 1q31.3.
Variant type: single nucleotide variant.
Coding change: c.6185A>T on transcript NM_018136.5 (MANE Select); coding-DNA position 6185, A replaced by T.
Protein change: p.Lys2062Ile; replaces lysine 2062 with isoleucine.
Molecular consequence: missense variant. On other transcripts: intron variant (1).
Genome position (GRCh38, 1-based): chr1:197,103,066, T>A on the plus strand (A>T on the coding strand, the complement: ASPM is on the minus strand). VCF-style: chr1-197103066-T-A. GRCh37 (hg19) VCF-style: chr1-197072196-T-A.
Other names: c.4066-6902A>T (NM_001206846.2); short protein forms K2062I.
Identifiers: ClinVar variation 2129726 (VCV002129726.4), dbSNP rs1557946657, ClinGen allele CA344023477.

ClinVar aggregate classification (germline): Uncertain significance (1 of 4 stars; one submission).

Allele frequency attached by ClinVar (database versions not stated): gnomAD exomes below 0.00001; TOPMed below 0.00001.
gnomAD v4.1: 2 of 1,612,676 alleles (0.00012%); highest among the groups gnomAD compares: Admixed American, 0.0033%; no homozygotes.

Submission:

Labcorp Genetics (formerly Invitae), Labcorp
Classification: Uncertain significance. Last evaluated: 2022-11-08. Review status: criteria provided, single submitter. Criteria: Invitae Variant Classification Sherloc (09022015). Collection method: clinical testing. Allele origin: germline.
Comment: Advanced modeling of protein sequence and biophysical properties (such as structural, functional, and spatial information, amino acid conservation, physicochemical variation, residue mobility, and thermodynamic stability) performed at Invitae indicates that this missense variant is not expected to disrupt ASPM protein function. This variant has not been reported in the literature in individuals affected with ASPM-related conditions. This variant is present in population databases (no rsID available, gnomAD 0.003%). This sequence change replaces lysine, which is basic and polar, with isoleucine, which is neutral and non-polar, at codon 2062 of the ASPM protein (p.Lys2062Ile). In summary, the available evidence is currently insufficient to determine the role of this variant in disease. Therefore, it has been classified as a Variant of Uncertain Significance.